The following is an entry in ClinVar:

NM_001035.3(RYR2):c.6922T>C (p.Cys2308Arg)

Gene: RYR2 (ryanodine receptor 2; plus strand). Cytogenetic location: 1q43.
Variant type: single nucleotide variant.
Coding change: c.6922T>C on transcript NM_001035.3 (MANE Select); coding-DNA position 6922, T replaced by C.
Protein change: p.Cys2308Arg; replaces cysteine 2308 with arginine.
Molecular consequence: missense variant.
Genome position (GRCh38, 1-based): chr1:237,638,486, T>C. VCF-style: chr1-237638486-T-C. GRCh37 (hg19) VCF-style: chr1-237801786-T-C.
Other names: short protein forms C2308R.
Identifiers: ClinVar variation 950204 (VCV000950204.11), dbSNP rs1681106353, ClinGen allele CA345395701.

ClinVar aggregate classification (germline): Uncertain significance (1 of 4 stars; one submission).

Conditions:
Catecholaminergic polymorphic ventricular tachycardia 1. Also called: VENTRICULAR TACHYCARDIA, STRESS-INDUCED POLYMORPHIC 1; RYR2-Related Catecholaminergic Polymorphic Ventricular Tachycardia; VENTRICULAR TACHYCARDIA, CATECHOLAMINERGIC POLYMORPHIC, 1, WITH OR WITHOUT ATRIAL DYSFUNCTION AND/OR DILATED CARDIOMYOPATHY. Identifiers: Orphanet 3286, MedGen C1631597, MONDO:0011484, OMIM 604772.

Submission:

Labcorp Genetics (formerly Invitae), Labcorp
Classification: Uncertain significance for Catecholaminergic polymorphic ventricular tachycardia 1. Last evaluated: 2020-03-04. Review status: criteria provided, single submitter. Criteria: Invitae Variant Classification Sherloc (09022015). Collection method: clinical testing. Allele origin: germline.
Comment: This variant is not present in population databases (ExAC no frequency). This variant has not been reported in the literature in individuals with RYR2-related conditions. Algorithms developed to predict the effect of missense changes on protein structure and function (SIFT, PolyPhen-2, Align-GVGD) all suggest that this variant is likely to be disruptive, but these predictions have not been confirmed by published functional studies and their clinical significance is uncertain. In summary, the available evidence is currently insufficient to determine the role of this variant in disease. Therefore, it has been classified as a Variant of Uncertain Significance. This sequence change replaces cysteine with arginine at codon 2308 of the RYR2 protein (p.Cys2308Arg). The cysteine residue is highly conserved and there is a large physicochemical difference between cysteine and arginine.